The following is an entry in ClinVar:

NM_001042492.3(NF1):c.7753dup (p.Ser2585fs)

Gene: NF1 (neurofibromin 1; plus strand). Cytogenetic location: 17q11.2.
Variant type: Duplication.
Coding change: c.7753dup on transcript NM_001042492.3 (MANE Select); coding-DNA position 7753, one base duplicated (T; older notation c.7753dupT).
Protein change: p.Ser2585fs; shifts the reading frame from serine 2585.
Molecular consequence: frameshift variant.
Genome position (GRCh38, 1-based): chr17:31,356,974, T duplicated; the last of 3 consecutive T bases (chr17:31,356,972-31,356,974); duplicating any one gives the same sequence. VCF-style (leftmost placement, unchanged base first): chr17-31356971-A-AT. GRCh37 (hg19) VCF-style: chr17-29683989-A-AT.
Other names: c.7690dup, p.Ser2564Phefs (NM_000267.4); short protein forms S2585fs, S2564fs.
Identifiers: ClinVar variation 967735 (VCV000967735.1), dbSNP rs1555536685, ClinGen allele CA1139665479.
Genomic context (GRCh38, chr17:31,356,971, plus strand): 5'-AAGTGATTATCCAGGTGTTTGATCACGTTAATTCCCTATCTTGCTGCAGAAACTCAGAGG[A>AT]TTTCCTCATCACAACAGCACCCACATTTACGTAAAGTTTCAGTGTCTGAATCAAATGTTC-3'

ClinVar aggregate classification (germline): Pathogenic (1 of 4 stars; one submission).

Conditions:
Neurofibromatosis, type 1 (NF1). Also called: Neurofibromatosis, type I; Peripheral type neurofibromatosis; VON RECKLINGHAUSEN DISEASE; NEUROFIBROMATOSIS, TYPE I, SOMATIC. Identifiers: Orphanet 636, MedGen C0027831, MONDO:0018975, OMIM 162200. Disease mechanism: loss of function.

Submission:

Labcorp Genetics (formerly Invitae), Labcorp
Classification: Pathogenic for Neurofibromatosis, type 1. Last evaluated: 2019-10-09. Review status: criteria provided, single submitter. Criteria: Invitae Variant Classification Sherloc (09022015). Collection method: clinical testing. Allele origin: germline.
Comment: This sequence change creates a premature translational stop signal (p.Ser2564Phefs*11) in the NF1 gene. It is expected to result in an absent or disrupted protein product. This variant is not present in population databases (ExAC no frequency). This variant has not been reported in the literature in individuals with NF1-related conditions. Loss-of-function variants in NF1 are known to be pathogenic (PMID: 10712197, 23913538). For these reasons, this variant has been classified as Pathogenic.